The following is an entry in ClinVar:

ClinVar aggregate classification (germline): Uncertain significance (1 of 4 stars; one submission).

Conditions:
SPTBN1-related disorder. Also called: SPTBN1-related condition.

Submission:

PreventionGenetics, part of Exact Sciences
Classification: Uncertain significance for SPTBN1-related condition. Last evaluated: 2023-07-12. Review status: criteria provided, single submitter. Criteria: ACMG Guidelines, 2015. Collection method: clinical testing. Allele origin: germline.
Comment: The SPTBN1 c.952A>G variant is predicted to result in the amino acid substitution p.Ile318Val. To our knowledge, this variant has not been reported in the literature or in a large population database, indicating this variant is rare. At this time, the clinical significance of this variant is uncertain due to the absence of conclusive functional and genetic evidence.

NM_003128.3(SPTBN1):c.952A>G (p.Ile318Val)

Gene: SPTBN1 (spectrin beta, non-erythrocytic 1; plus strand). Cytogenetic location: 2p16.2.
Variant type: single nucleotide variant.
Coding change: c.952A>G on transcript NM_003128.3 (MANE Select); coding-DNA position 952, A replaced by G.
Protein change: p.Ile318Val; replaces isoleucine 318 with valine.
Molecular consequence: missense variant.
Genome position (GRCh38, 1-based): chr2:54,622,375, A>G. VCF-style: chr2-54622375-A-G. GRCh37 (hg19) VCF-style: chr2-54849512-A-G.
Other names: c.913A>G, p.Ile305Val (NM_178313.3); short protein forms I305V, I318V.
Identifiers: ClinVar variation 2631404 (VCV002631404.1), dbSNP rs2549513674, ClinGen allele CA346865471.
Genomic context (GRCh38, chr2:54,622,375, plus strand): 5'-ATTGAAACAGAAAAAATGATTGAAAAGTATGAATCACTTGCCTCTGACCTTCTGGAATGG[A>G]TTGAACAAACCATCATCATTCTGAACAATCGCAAATTTGCCAATTCACTGGTCGGGGTTC-3'
Protein context (NP_003119.2, residues 308-328): ESLASDLLEW[Ile318Val]EQTIIILNNR